The following is an entry in ClinVar:

NM_000130.5(F5):c.3838C>T (p.Leu1280Phe)

Gene: F5 (coagulation factor V; minus strand). Cytogenetic location: 1q24.2.
Variant type: single nucleotide variant.
Coding change: c.3838C>T on transcript NM_000130.5 (MANE Select); coding-DNA position 3838, C replaced by T.
Protein change: p.Leu1280Phe; replaces leucine 1280 with phenylalanine.
Molecular consequence: missense variant.
Genome position (GRCh38, 1-based): chr1:169,541,252, G>A on the plus strand (C>T on the coding strand, the complement: F5 is on the minus strand). VCF-style: chr1-169541252-G-A. GRCh37 (hg19) VCF-style: chr1-169510490-G-A.
Other names: short protein forms L1280F.
Identifiers: ClinVar variation 3276973 (VCV003276973.1).

ClinVar aggregate classification (germline): Uncertain significance (1 of 4 stars; one submission).

Conditions:
Inborn genetic diseases. Identifiers: MedGen C0950123, MeSH D030342.

gnomAD v4.1: 8 of 1,541,040 alleles (0.00052%); highest among the groups gnomAD compares: Non-Finnish European, 0.00071%; no homozygotes.

Submission:

Ambry Genetics
Classification: Uncertain significance for Inborn genetic diseases. Last evaluated: 2024-05-10. Review status: criteria provided, single submitter. Criteria: Ambry Variant Classification Scheme 2023. Collection method: clinical testing. Allele origin: germline.
Comment: The p.L1280F variant (also known as c.3838C>T), located in coding exon 13 of the F5 gene, results from a C to T substitution at nucleotide position 3838. The leucine at codon 1280 is replaced by phenylalanine, an amino acid with highly similar properties. This amino acid position is conserved. In addition, this alteration is predicted to be tolerated by in silico analysis. Based on the available evidence, the clinical significance of this variant remains unclear.